The following is an entry in ClinVar:

NM_001267550.2(TTN):c.105251C>G (p.Ser35084Ter)

Genes: TTN (titin; minus strand), TTN-AS1 (TTN antisense RNA 1; plus strand). Cytogenetic location: 2q31.2.
Variant type: single nucleotide variant.
Coding change: c.105251C>G on transcript NM_001267550.2 (MANE Select); coding-DNA position 105251, C replaced by G.
Protein change: p.Ser35084Ter; replaces serine 35084 with a stop codon.
Molecular consequence: nonsense.
Genome position (GRCh38, 1-based): chr2:178,531,364, G>C on the plus strand (C>G on the coding strand, the complement: TTN is on the minus strand). VCF-style: chr2-178531364-G-C. GRCh37 (hg19) VCF-style: chr2-179396091-G-C.
Other names: c.100328C>G, p.Ser33443Ter (NM_001256850.1); c.78056C>G, p.Ser26019Ter (NM_003319.4); c.97547C>G, p.Ser32516Ter (NM_133378.4); c.78431C>G, p.Ser26144Ter (NM_133432.3); c.78632C>G, p.Ser26211Ter (NM_133437.4); short protein forms S26019*, S26144*, S26211*, S32516*, S33443*, S35084*.
Identifiers: ClinVar variation 2574050 (VCV002574050.2), dbSNP rs1257016169, ClinGen allele CA349409170.

ClinVar aggregate classification (germline): Likely pathogenic. Review status: criteria provided, single submitter (1 of 4 stars). 2 submissions from 2 submitters: Likely pathogenic (1). 1 of the submissions does not count toward it. Last evaluated 2025-06-13.

Conditions:
Cardiovascular phenotype. Identifiers: MedGen CN230736.
Dilated cardiomyopathy 1G (CMD1G). Identifiers: Orphanet 154, MedGen C1858763, MONDO:0011400, OMIM 604145.

Submissions (2):

Ambry Genetics
Classification: Likely pathogenic for Cardiovascular phenotype. Last evaluated: 2025-06-13. Review status: criteria provided, single submitter. Criteria: Ambry Variant Classification Scheme 2023. Collection method: clinical testing. Allele origin: germline.
Comment: The c.78056C>G (p.S26019*) alteration, located in exon 186 (coding exon 185) of the TTN gene, consists of a C to G substitution at nucleotide position 78056. This changes the amino acid from a serine (S) to a stop codon at amino acid position 26019. This variant is expected to result in loss of function by premature protein truncation or nonsense-mediated mRNA decay. This variant was not reported in population-based cohorts in the Genome Aggregation Database (gnomAD). This exon is located in the M-band region of the N2-B isoform of the titin protein and is constitutively expressed in TTN transcripts (percent spliced in or PSI 100%). While truncating variants in TTN are present in 1-3% of the general population, truncating variants in the M-band have been reported in association with autosomal recessive titinopathies, primarily presenting with skeletal myopathy phenotypes (Ceyhan-Birsoy, 2013; De Cid, 2015). Truncating variants in coding exon 185 of the M-band of the N2-B isoform have also been specifically associated with autosomal dominant dilated cardiomyopathy (Vatta, 2025). More generally, TTN truncating variants encoded in constitutive exons (PSI >90%) have been found to be significantly associated with dilated cardiomyopathy (DCM) regardless of their position, although truncating variants in the A-band are the most common cause of DCM (Herman, 2012; Roberts, 2015; Schafer, 2017; Akhtar, 2020; Massier, 2025). Based on the available evidence, this alteration is classified as likely pathogenic.

deCODE genetics, Amgen
Classification: Likely pathogenic for Dilated cardiomyopathy 1G. Last evaluated: 2023-07-21. Review status: no assertion criteria provided. Collection method: research. Allele origin: germline. Affected: yes. Observed: 39 variant alleles. Not counted in ClinVar's aggregate classification.
Comment: The variant NM_001267550.2:c.105251C>G (chr2:178531364) in TTN was detected in 9 heterozygotes out of 58K WGS Icelanders (MAF= 0,008%). This variant has not been reported in ClinVar previously. Based on ACMG criteria (PVS1, PM2) this variant classifies as likely pathogenic.

Literature cited by the submitters: PubMed 22335739 (cited by Ambry Genetics); PubMed 23975875 (cited by Ambry Genetics); PubMed 25589632 (cited by Ambry Genetics); PubMed 26581302 (cited by Ambry Genetics); PubMed 27869827 (cited by Ambry Genetics); PubMed 32964742 (cited by Ambry Genetics); PubMed 39844436 (cited by Ambry Genetics); PubMed 39968638 (cited by Ambry Genetics).